The following is an entry in ClinVar:

ClinVar aggregate classification (germline): Likely benign. Review status: criteria provided, multiple submitters, no conflicts (2 of 4 stars). 3 submissions from 3 submitters: Likely benign (3). Last evaluated 2026-08-26.

Conditions:
TTN-related disorder. Also called: TTN-related condition; TTN-related disease; TTN-related disorders.
Autosomal recessive limb-girdle muscular dystrophy type 2J (LGMDR10). Also called: Limb-girdle muscular dystrophy, type 2J; MUSCULAR DYSTROPHY, LIMB-GIRDLE, AUTOSOMAL RECESSIVE 10. Identifiers: Orphanet 140922, MedGen C1837342, MONDO:0012127, OMIM 608807.
Dilated cardiomyopathy 1G (CMD1G). Identifiers: Orphanet 154, MedGen C1858763, MONDO:0011400, OMIM 604145.

Allele frequency attached by ClinVar (database versions not stated): gnomAD exomes below 0.00001; gnomAD 0.00001; TOPMed 0.00002.
gnomAD v4.1: 7 of 1,547,374 alleles (0.00045%); highest among the groups gnomAD compares: Admixed American, 0.002%; no homozygotes.

Submissions (3):

PreventionGenetics, part of Exact Sciences
Classification: Likely benign for TTN-related condition. Last evaluated: 2026-08-26. Review status: criteria provided, single submitter. Criteria: ACMG Guidelines, 2015. Collection method: clinical testing. Allele origin: germline.
Comment: This variant is classified as likely benign based on ACMG/AMP sequence variant interpretation guidelines (Richards et al. 2015 PMID: 25741868, with internal and published modifications).

Labcorp Genetics (formerly Invitae), Labcorp
Classification: Likely benign for Dilated cardiomyopathy 1G; Autosomal recessive limb-girdle muscular dystrophy type 2J. Last evaluated: 2025-12-20. Review status: criteria provided, single submitter. Criteria: Invitae Variant Classification Sherloc (09022015). Collection method: clinical testing. Allele origin: germline.

Blueprint Genetics
Classification: Likely benign. Last evaluated: 2021-09-23. Review status: criteria provided, single submitter. Criteria: ACMG Guidelines, 2015. Collection method: clinical testing. Allele origin: germline.

NM_001267550.2(TTN):c.40260C>T (p.Pro13420=)

Gene: TTN (titin; minus strand). Cytogenetic location: 2q31.2.
Variant type: single nucleotide variant.
Coding change: c.40260C>T on transcript NM_001267550.2 (MANE Select); coding-DNA position 40260, C replaced by T.
Protein change: p.Pro13420=; no amino-acid change (proline 13420 retained).
Molecular consequence: synonymous variant. On other transcripts: intron variant (5).
Genome position (GRCh38, 1-based): chr2:178,646,522, G>A on the plus strand (C>T on the coding strand, the complement: TTN is on the minus strand). VCF-style: chr2-178646522-G-A. GRCh37 (hg19) VCF-style: chr2-179511249-G-A.
Other names: c.13283-4205C>T (NM_003319.4); c.13859-4205C>T (NM_133437.4); c.13658-4205C>T (NM_133432.3); c.32594-492C>T (NM_133378.4); c.35375-492C>T (NM_001256850.1).
Identifiers: ClinVar variation 1143574 (VCV001143574.11), dbSNP rs968375522, ClinGen allele CA60964415.